The following is an entry in ClinVar:

NM_001843.4(CNTN1):c.1109C>T (p.Ala370Val)

Gene: CNTN1 (contactin 1; plus strand). Cytogenetic location: 12q12.
Variant type: single nucleotide variant.
Coding change: c.1109C>T on transcript NM_001843.4 (MANE Select); coding-DNA position 1109, C replaced by T.
Protein change: p.Ala370Val; replaces alanine 370 with valine.
Molecular consequence: missense variant.
Genome position (GRCh38, 1-based): chr12:40,936,904, C>T. VCF-style: chr12-40936904-C-T. GRCh37 (hg19) VCF-style: chr12-41330706-C-T.
Other names: c.1109C>T, p.Ala370Val (NM_001256063.2, NM_001256064.2); c.1076C>T, p.Ala359Val (NM_175038.2); short protein forms A359V, A370V.
Identifiers: ClinVar variation 1372397 (VCV001372397.6), dbSNP rs1451321171, ClinGen allele CA384423847.
Genomic context (GRCh38, chr12:40,936,904, plus strand): 5'-GGCCTTGTGTGGCCACAGGAAAGCCCATCCCTACAATCCGATGGTTGAAAAATGGATATG[C>T]GGTATGTATGTTCAAGTGCTTTGCTGTTCCTGAGTCCCTGTTCAAGCAGTGTTTCAGGGT-3'
Protein context (NP_001834.2, residues 360-380): PTIRWLKNGY[Ala370Val]YHKGELRLYD

ClinVar aggregate classification (germline): Uncertain significance (1 of 4 stars; one submission).

Conditions:
Compton-North congenital myopathy (CMYO12). Identifiers: Orphanet 210163, MedGen C2675527, MONDO:0012929, OMIM 612540.

Allele frequency attached by ClinVar (database versions not stated): gnomAD exomes 0.00001.
gnomAD v4.1: 7 of 1,612,582 alleles (0.00043%); highest among the groups gnomAD compares: East Asian, 0.0089%; no homozygotes.

Submission:

Labcorp Genetics (formerly Invitae), Labcorp
Classification: Uncertain significance for Compton-North congenital myopathy. Last evaluated: 2022-07-11. Review status: criteria provided, single submitter. Criteria: Invitae Variant Classification Sherloc (09022015). Collection method: clinical testing. Allele origin: germline.
Comment: This sequence change replaces alanine, which is neutral and non-polar, with valine, which is neutral and non-polar, at codon 370 of the CNTN1 protein (p.Ala370Val). This variant is not present in population databases (gnomAD no frequency). This variant has not been reported in the literature in individuals affected with CNTN1-related conditions. ClinVar contains an entry for this variant (Variation ID: 1372397). Algorithms developed to predict the effect of missense changes on protein structure and function output the following: SIFT: "Tolerated"; PolyPhen-2: "Benign"; Align-GVGD: "Class C0". The valine amino acid residue is found in multiple mammalian species, which suggests that this missense change does not adversely affect protein function. In summary, the available evidence is currently insufficient to determine the role of this variant in disease. Therefore, it has been classified as a Variant of Uncertain Significance. Algorithms developed to predict the effect of sequence changes on RNA splicing suggest that this variant may disrupt the consensus splice site.